The following is an entry in ClinVar:

ClinVar aggregate classification (germline): Conflicting classifications of pathogenicity. Review status: criteria provided, conflicting classifications (1 of 4 stars). 2 submissions from 2 submitters: Uncertain significance (1); Benign (1). Last evaluated 2024-12-10.

Conditions:
Ehlers-Danlos syndrome, classic type, 1 (EDSCL1). Also called: Ehlers-Danlos Syndrome, Classic Type, COL5A1-Related; EDS I; Ehlers-Danlos syndrome, type 1; EHLERS-DANLOS SYNDROME, GRAVIS TYPE; EHLERS-DANLOS SYNDROME, SEVERE CLASSIC TYPE. Identifiers: MedGen C0268335, MONDO:0019567, OMIM 130000.
Familial thoracic aortic aneurysm and aortic dissection (TAAD). Also called: Thoracic aortic aneurysms and dissections. Identifiers: Orphanet 91387, MedGen C4707243, MONDO:0019625.

Allele frequency attached by ClinVar (database versions not stated): gnomAD exomes below 0.00001; ExAC 0.00001; gnomAD 0.00003.
gnomAD v4.1: 7 of 1,614,084 alleles (0.00043%); highest among the groups gnomAD compares: African/African-American, 0.004%; no homozygotes.

Submissions (2):

Labcorp Genetics (formerly Invitae), Labcorp
Classification: Benign for Ehlers-Danlos syndrome, classic type, 1. Last evaluated: 2024-12-10. Review status: criteria provided, single submitter. Criteria: Invitae Variant Classification Sherloc (09022015). Collection method: clinical testing. Allele origin: germline.

Ambry Genetics
Classification: Uncertain significance for Familial thoracic aortic aneurysm and aortic dissection. Last evaluated: 2019-07-05. Review status: criteria provided, single submitter. Criteria: Ambry Variant Classification Scheme 2023. Collection method: clinical testing. Allele origin: germline.
Comment: The p.E359K variant (also known as c.1075G>A), located in coding exon 7 of the COL5A1 gene, results from a G to A substitution at nucleotide position 1075. The glutamic acid at codon 359 is replaced by lysine, an amino acid with similar properties. This amino acid position is well conserved in available vertebrate species. In addition, the in silico prediction for this alteration is inconclusive. Since supporting evidence is limited at this time, the clinical significance of this alteration remains unclear.

NM_000093.5(COL5A1):c.1075G>A (p.Glu359Lys)

Gene: COL5A1 (collagen type V alpha 1 chain; plus strand). Cytogenetic location: 9q34.3.
Variant type: single nucleotide variant.
Coding change: c.1075G>A on transcript NM_000093.5 (MANE Select); coding-DNA position 1075, G replaced by A.
Protein change: p.Glu359Lys; replaces glutamic acid 359 with lysine.
Molecular consequence: missense variant.
Genome position (GRCh38, 1-based): chr9:134,730,386, G>A. VCF-style: chr9-134730386-G-A. GRCh37 (hg19) VCF-style: chr9-137622232-G-A.
Other names: c.1075G>A, p.Glu359Lys (NM_001278074.1); short protein forms E359K.
Identifiers: ClinVar variation 566464 (VCV000566464.12), dbSNP rs769752636, ClinGen allele CA5318627.